The following is an entry in ClinVar:

NM_000383.4(AIRE):c.498G>A (p.Pro166=)

Gene: AIRE (autoimmune regulator; plus strand). Cytogenetic location: 21q22.3.
Variant type: single nucleotide variant.
Coding change: c.498G>A on transcript NM_000383.4 (MANE Select); coding-DNA position 498, G replaced by A.
Protein change: p.Pro166=; no amino-acid change (proline 166 retained).
Molecular consequence: synonymous variant.
Genome position (GRCh38, 1-based): chr21:44,287,551, G>A. VCF-style: chr21-44287551-G-A. GRCh37 (hg19) VCF-style: chr21-45707434-G-A.
Identifiers: ClinVar variation 1125994 (VCV001125994.27), dbSNP rs372169498, ClinGen allele CA10051587.

ClinVar aggregate classification (germline): Likely benign. Review status: criteria provided, multiple submitters, no conflicts (2 of 4 stars). 4 submissions from 4 submitters: Likely benign (4). Last evaluated 2025-04-23.

Conditions:
Polyglandular autoimmune syndrome, type 1 (APS1). Also called: Autoimmune polyendocrinopathy syndrome, type I; Whitaker syndrome; AUTOIMMUNE POLYENDOCRINE SYNDROME, TYPE I, WITH OR WITHOUT REVERSIBLE METAPHYSEAL DYSPLASIA; APS I; Autoimmune polyendocrinopathy syndrome , type I, with or without reversible metaphyseal dysplasia; HYPOADRENOCORTICISM WITH HYPOPARATHYROIDISM AND SUPERFICIAL MONILIASIS. Identifiers: Orphanet 3453, MedGen C0085859, MONDO:0009411, OMIM 240300.

Allele frequency attached by ClinVar (database versions not stated): gnomAD 0.00003 and 0.00002; gnomAD exomes 0.00004 and 0.00002; ESP Exome Variant Server 0.00008; TOPMed 0.00002; ExAC 0.00010.
gnomAD v4.1: 37 of 1,559,314 alleles (0.0024%); highest among the groups gnomAD compares: Middle Eastern, 0.017%; no homozygotes.

Submissions (4):

Labcorp Genetics (formerly Invitae), Labcorp
Classification: Likely benign for Polyglandular autoimmune syndrome, type 1. Last evaluated: 2025-04-23. Review status: criteria provided, single submitter. Criteria: Invitae Variant Classification Sherloc (09022015). Collection method: clinical testing. Allele origin: germline.

CeGaT Center for Human Genetics Tuebingen
Classification: Likely benign. Last evaluated: 2024-10-01. Review status: criteria provided, single submitter. Criteria: CeGaT Center For Human Genetics Tuebingen Variant Classification Criteria Version 2. Collection method: clinical testing. Allele origin: germline. Affected: yes. Observed: 1 variant allele.
Comment: AIRE: BP4, BP7

Blueprint Genetics
Classification: Likely benign. Last evaluated: 2023-10-18. Review status: criteria provided, single submitter. Criteria: ACMG Guidelines, 2015. Collection method: clinical testing. Allele origin: germline.

Genetic Services Laboratory, University of Chicago
Classification: Likely benign. Last evaluated: 2018-09-07. Review status: criteria provided, single submitter. Criteria: ACMG Guidelines, 2015. Collection method: clinical testing. Allele origin: germline. Affected: no.